The following is an entry in ClinVar:

NM_017999.5(RNF31):c.3034G>T (p.Ala1012Ser)

Gene: RNF31 (ring finger protein 31; plus strand). Cytogenetic location: 14q12.
Variant type: single nucleotide variant.
Coding change: c.3034G>T on transcript NM_017999.5 (MANE Select); coding-DNA position 3034, G replaced by T.
Protein change: p.Ala1012Ser; replaces alanine 1012 with serine.
Molecular consequence: missense variant.
Genome position (GRCh38, 1-based): chr14:24,160,276, G>T. VCF-style: chr14-24160276-G-T. GRCh37 (hg19) VCF-style: chr14-24629485-G-T.
Other names: c.2581G>T, p.Ala861Ser (NM_001310332.2); short protein forms A861S, A1012S.
Identifiers: ClinVar variation 3698168 (VCV003698168.2).
Genomic context (GRCh38, chr14:24,160,276, plus strand): 5'-ATTCTGCTCCCTTTTCTCCCCAGGGCACACTACAAAGAGTATCTTGTGAGCCTCATCAAT[G>T]CCCACTCGCTGGACCCAGCCACCTTGTATGAGGTGGAAGAGCTGGAGACGGCCACTGAGC-3'
Protein context (NP_060469.4, residues 1002-1022): YKEYLVSLIN[Ala1012Ser]HSLDPATLYE

ClinVar aggregate classification (germline): Uncertain significance (1 of 4 stars; one submission).

Submission:

Labcorp Genetics (formerly Invitae), Labcorp
Classification: Uncertain significance. Last evaluated: 2024-05-04. Review status: criteria provided, single submitter. Criteria: Invitae Variant Classification Sherloc (09022015). Collection method: clinical testing. Allele origin: germline.
Comment: This sequence change replaces alanine, which is neutral and non-polar, with serine, which is neutral and polar, at codon 1012 of the RNF31 protein (p.Ala1012Ser). This variant is not present in population databases (gnomAD no frequency). This variant has not been reported in the literature in individuals affected with RNF31-related conditions. An algorithm developed to predict the effect of missense changes on protein structure and function (PolyPhen-2) suggests that this variant is likely to be tolerated. In summary, the available evidence is currently insufficient to determine the role of this variant in disease. Therefore, it has been classified as a Variant of Uncertain Significance.